The following is an entry in ClinVar:

NM_018842.5(BAIAP2L1):c.487-10_487-9insA

Genes: BAIAP2L1 (BAR/IMD domain containing adaptor protein 2 like 1; minus strand), BRI3 (brain protein I3; plus strand). Cytogenetic location: 7q21.3.
Variant type: Insertion.
Coding change: c.487-10_487-9insA on transcript NM_018842.5 (MANE Select); 10 bases into the intron before coding-DNA position 487 through 9 bases into the intron before coding-DNA position 487, A inserted.
Molecular consequence: intron variant.
Genome position: GRCh38 VCF-style: chr7-98315621-A-AT. GRCh37 (hg19) VCF-style: chr7-97944933-A-AT.
Identifiers: ClinVar variation 402406 (VCV000402406.4), dbSNP rs201588264, ClinGen allele CA4358129.

ClinVar aggregate classification (germline): Benign (1 of 4 stars; one submission).

Allele frequency attached by ClinVar (database versions not stated): ExAC 0.06592; gnomAD exomes 0.23949; 1000 Genomes Project 30x 0.25531; gnomAD 0.36520 and 0.37014.

Submission:

Laboratory for Molecular Medicine, Mass General Brigham Personalized Medicine
Classification: Benign. Last evaluated: 2016-03-29. Review status: criteria provided, single submitter. Criteria: LMM Criteria. Collection method: clinical testing. Allele origin: germline.
Comment: Variant identified in a genome or exome case(s) and assessed due to predicted null impact of the variant or pathogenic assertions in the literature or databases. Disclaimer: This variant has not undergone full assessment. The following are preliminary notes: Frequency